The following is an entry in ClinVar:

NM_005360.5(MAF):c.297G>A (p.Gln99=)

Gene: MAF (MAF bZIP transcription factor; minus strand). Cytogenetic location: 16q23.2.
Variant type: single nucleotide variant.
Coding change: c.297G>A on transcript NM_005360.5 (MANE Select); coding-DNA position 297, G replaced by A.
Protein change: p.Gln99=; no amino-acid change (glutamine 99 retained).
Molecular consequence: synonymous variant.
Genome position (GRCh38, 1-based): chr16:79,599,606, C>T on the plus strand (G>A on the coding strand, the complement: MAF is on the minus strand). VCF-style: chr16-79599606-C-T. GRCh37 (hg19) VCF-style: chr16-79633503-C-T.
Other names: c.297G>A, p.Gln99= (NM_001031804.3).
Identifiers: ClinVar variation 4983693 (VCV004983693.1).

ClinVar aggregate classification (germline): Likely benign (1 of 4 stars; one submission).

Conditions:
MAF-related disorder. Also called: MAF-related condition.

gnomAD v4.1: 6 of 1,609,910 alleles (0.00037%); highest among the groups gnomAD compares: African/African-American, 0.0067%; no homozygotes.

Submission:

PreventionGenetics, part of Exact Sciences
Classification: Likely benign for MAF-related condition. Last evaluated: 2026-07-27. Review status: criteria provided, single submitter. Criteria: ACMG Guidelines, 2015. Collection method: clinical testing. Allele origin: germline.
Comment: This variant is classified as likely benign based on ACMG/AMP sequence variant interpretation guidelines (Richards et al. 2015 PMID: 25741868, with internal and published modifications).